The following is an entry in ClinVar:

NM_000219.6(KCNE1):c.233T>A (p.Phe78Tyr)

Gene: KCNE1 (potassium voltage-gated channel subfamily E regulatory subunit 1; minus strand). Cytogenetic location: 21q22.12.
Variant type: single nucleotide variant.
Coding change: c.233T>A on transcript NM_000219.6 (MANE Select); coding-DNA position 233, T replaced by A.
Protein change: p.Phe78Tyr; replaces phenylalanine 78 with tyrosine.
Molecular consequence: missense variant.
Genome position (GRCh38, 1-based): chr21:34,449,402, A>T on the plus strand (T>A on the coding strand, the complement: KCNE1 is on the minus strand). VCF-style: chr21-34449402-A-T. GRCh37 (hg19) VCF-style: chr21-35821700-A-T.
Other names: c.233T>A, p.Phe78Tyr (NM_001127668.4, NM_001127669.4, NM_001127670.4 and 4 more transcripts); short protein forms F78Y.
Identifiers: ClinVar variation 3374394 (VCV003374394.2).
Genomic context (GRCh38, chr21:34,449,402, plus strand): 5'-CGGGCCTGGACATAGGCCTTGTCCTTCTCTTGCCAGGCATCGGACTCGATGTAGACGTTG[A>T]ATGGGTCGTTCGAGTGCTCCAGCTTCTTGGAGCGGATGTAGCTCAGCATGATGCCCAGGG-3'
Protein context (NP_000210.2, residues 68-88): SKKLEHSNDP[Phe78Tyr]NVYIESDAWQ

Conditions:
Long QT syndrome 5 (LQT5). Identifiers: Orphanet 101016, Orphanet 768, MedGen C1867904, MONDO:0013372, OMIM 613695.

Submission:

Roden Lab, Vanderbilt University Medical Center
No classification provided (evidence only). Condition: Long QT syndrome 5. Review status: no classification provided. Collection method: in vitro. Allele origin: not applicable. Functional consequence: Effect on ion channel function.
ClinVar note: "not provided" was previously submitted as the classification for the variant. However, the classification appeared to be based only on an observation of functional data so it was converted to no classification on 2025-07-30.